The following is an entry in ClinVar:

ClinVar aggregate classification (germline): Uncertain significance (1 of 4 stars; one submission).

Allele frequency attached by ClinVar (database versions not stated): gnomAD exomes below 0.00001.
gnomAD v4.1: 3 of 1,613,846 alleles (0.00019%); highest among the groups gnomAD compares: Non-Finnish European, 0.00025%; no homozygotes.

Submission:

GeneDx
Classification: Uncertain significance. Last evaluated: 2020-12-17. Review status: criteria provided, single submitter. Criteria: GeneDx Variant Classification Process June 2021. Collection method: clinical testing. Allele origin: germline. Affected: yes.
Comment: Not observed in large population cohorts (Lek et al., 2016); In silico analysis supports that this missense variant does not alter protein structure/function; Has not been previously published as pathogenic or benign to our knowledge

NM_014141.6(CNTNAP2):c.3697C>G (p.Leu1233Val)

Gene: CNTNAP2 (contactin associated protein 2; plus strand). Cytogenetic location: 7q36.1.
Variant type: single nucleotide variant.
Coding change: c.3697C>G on transcript NM_014141.6 (MANE Select); coding-DNA position 3697, C replaced by G.
Protein change: p.Leu1233Val; replaces leucine 1233 with valine.
Molecular consequence: missense variant.
Genome position (GRCh38, 1-based): chr7:148,383,870, C>G. VCF-style: chr7-148383870-C-G. GRCh37 (hg19) VCF-style: chr7-148080962-C-G.
Other names: p.L1233V:CTG>GTG; short protein forms L1233V.
Identifiers: ClinVar variation 205290 (VCV000205290.3), dbSNP rs796052385, ClinGen allele CA314214.